The following is an entry in ClinVar:

ClinVar aggregate classification (germline): Uncertain significance (1 of 4 stars; one submission).

Conditions:
Primary ciliary dyskinesia. Also called: Ciliary dyskinesia. Identifiers: Orphanet 244, MedGen C0008780, MONDO:0016575, HP:0012265.

Submission:

Labcorp Genetics (formerly Invitae), Labcorp
Classification: Uncertain significance for Primary ciliary dyskinesia. Last evaluated: 2025-08-15. Review status: criteria provided, single submitter. Criteria: Invitae Variant Classification Sherloc (09022015). Collection method: clinical testing. Allele origin: germline.
Comment: This sequence change replaces proline, which is neutral and non-polar, with leucine, which is neutral and non-polar, at codon 87 of the DNAI2 protein (p.Pro87Leu). This variant is not present in population databases (gnomAD no frequency). This variant has not been reported in the literature in individuals affected with DNAI2-related conditions. ClinVar contains an entry for this variant (Variation ID: 3671100). Invitae Evidence Modeling of protein sequence and biophysical properties (such as structural, functional, and spatial information, amino acid conservation, physicochemical variation, residue mobility, and thermodynamic stability) indicates that this missense variant is not expected to disrupt DNAI2 protein function with a negative predictive value of 95%. In summary, the available evidence is currently insufficient to determine the role of this variant in disease. Therefore, it has been classified as a Variant of Uncertain Significance.

NM_023036.6(DNAI2):c.260C>T (p.Pro87Leu)

Gene: DNAI2 (dynein axonemal intermediate chain 2; plus strand). Cytogenetic location: 17q25.1.
Variant type: single nucleotide variant.
Coding change: c.260C>T on transcript NM_023036.6 (MANE Select); coding-DNA position 260, C replaced by T.
Protein change: p.Pro87Leu; replaces proline 87 with leucine.
Molecular consequence: missense variant. On other transcripts: non-coding transcript variant (1).
Genome position (GRCh38, 1-based): chr17:74,285,116, C>T. VCF-style: chr17-74285116-C-T. GRCh37 (hg19) VCF-style: chr17-72281255-C-T.
Other names: c.260C>T, p.Pro87Leu (NM_001172810.3, NM_001353167.2); short protein forms P87L.
Identifiers: ClinVar variation 3671100 (VCV003671100.2).